The following is an entry in ClinVar:

NM_032608.7(MYO18B):c.529C>T (p.Pro177Ser)

Gene: MYO18B (myosin XVIIIB; plus strand). Cytogenetic location: 22q12.1.
Variant type: single nucleotide variant.
Coding change: c.529C>T on transcript NM_032608.7 (MANE Select); coding-DNA position 529, C replaced by T.
Protein change: p.Pro177Ser; replaces proline 177 with serine.
Molecular consequence: missense variant.
Genome position (GRCh38, 1-based): chr22:25,768,445, C>T. VCF-style: chr22-25768445-C-T. GRCh37 (hg19) VCF-style: chr22-26164412-C-T.
Other names: c.529C>T, p.Pro177Ser (NM_001318245.2); short protein forms P177S.
Identifiers: ClinVar variation 2196172 (VCV002196172.1), dbSNP rs374203426, ClinGen allele CA10159622.

ClinVar aggregate classification (germline): Uncertain significance (1 of 4 stars; one submission).

gnomAD v4.1: 6 of 1,333,614 alleles (0.00045%); highest among the groups gnomAD compares: African/African-American, 0.0058%; no homozygotes.

Submission:

Labcorp Genetics (formerly Invitae), Labcorp
Classification: Uncertain significance. Last evaluated: 2022-08-02. Review status: criteria provided, single submitter. Criteria: Invitae Variant Classification Sherloc (09022015). Collection method: clinical testing. Allele origin: germline.
Comment: This sequence change replaces proline, which is neutral and non-polar, with serine, which is neutral and polar, at codon 177 of the MYO18B protein (p.Pro177Ser). This variant is present in population databases (rs374203426, gnomAD 0.007%). This variant has not been reported in the literature in individuals affected with MYO18B-related conditions. Algorithms developed to predict the effect of missense changes on protein structure and function output the following: SIFT: "Not Available"; PolyPhen-2: "Benign"; Align-GVGD: "Not Available". The serine amino acid residue is found in multiple mammalian species, which suggests that this missense change does not adversely affect protein function. In summary, the available evidence is currently insufficient to determine the role of this variant in disease. Therefore, it has been classified as a Variant of Uncertain Significance.